The following is an entry in ClinVar:

NM_000051.4(ATM):c.2129C>A (p.Thr710Lys)

Gene: ATM (ATM serine/threonine kinase; plus strand). Cytogenetic location: 11q22.3.
Variant type: single nucleotide variant.
Coding change: c.2129C>A on transcript NM_000051.4 (MANE Select); coding-DNA position 2129, C replaced by A.
Protein change: p.Thr710Lys; replaces threonine 710 with lysine.
Molecular consequence: missense variant.
Genome position (GRCh38, 1-based): chr11:108,256,219, C>A. VCF-style: chr11-108256219-C-A. GRCh37 (hg19) VCF-style: chr11-108126946-C-A.
Other names: c.2129C>A, p.Thr710Lys (NM_001351834.2); short protein forms T710K.
Identifiers: ClinVar variation 582517 (VCV000582517.11), dbSNP rs1565394456, ClinGen allele CA382538647.

ClinVar aggregate classification (germline): Uncertain significance. Review status: criteria provided, multiple submitters, no conflicts (2 of 4 stars). 2 submissions from 2 submitters: Uncertain significance (2). Last evaluated 2024-12-15.

Conditions:
Hereditary cancer-predisposing syndrome. Also called: Neoplastic Syndromes, Hereditary; Hereditary Cancer Syndrome; Tumor predisposition; Hereditary neoplastic syndrome. Identifiers: Orphanet 140162, MedGen C0027672, MeSH D009386, MONDO:0015356.
Ataxia-telangiectasia syndrome (AT). Also called: Ataxia-telangiectasia, complementation group D; AT, COMPLEMENTATION GROUP C; Ataxia-telangiectasia, complementation group E; Cerebello-oculocutaneous telangiectasia; Immunodeficiency with ataxia telangiectasia; ATAXIA-TELANGIECTASIA, COMPLEMENTATION GROUP A. Identifiers: Orphanet 100, MedGen C0004135, MONDO:0008840, OMIM 208900.

Submissions (2):

Labcorp Genetics (formerly Invitae), Labcorp
Classification: Uncertain significance for Ataxia-telangiectasia syndrome. Last evaluated: 2024-12-15. Review status: criteria provided, single submitter. Criteria: Invitae Variant Classification Sherloc (09022015). Collection method: clinical testing. Allele origin: germline.
Comment: This sequence change replaces threonine, which is neutral and polar, with lysine, which is basic and polar, at codon 710 of the ATM protein (p.Thr710Lys). This variant is not present in population databases (gnomAD no frequency). This missense change has been observed in individual(s) with breast cancer (PMID: 30287823). ClinVar contains an entry for this variant (Variation ID: 582517). Invitae Evidence Modeling of protein sequence and biophysical properties (such as structural, functional, and spatial information, amino acid conservation, physicochemical variation, residue mobility, and thermodynamic stability) indicates that this missense variant is not expected to disrupt ATM protein function with a negative predictive value of 95%. In summary, the available evidence is currently insufficient to determine the role of this variant in disease. Therefore, it has been classified as a Variant of Uncertain Significance.

Ambry Genetics
Classification: Uncertain significance for Hereditary cancer-predisposing syndrome. Last evaluated: 2016-01-05. Review status: criteria provided, single submitter. Criteria: Ambry Variant Classification Scheme 2023. Collection method: clinical testing. Allele origin: germline.
Comment: The p.T710K variant (also known as c.2129C>A), located in coding exon 13 of the ATM gene, results from a C to A substitution at nucleotide position 2129. The threonine at codon 710 is replaced by lysine, an amino acid with similar properties. This variant was not reported in population based cohorts in the following databases: Database of Single Nucleotide Polymorphisms (dbSNP), NHLBI Exome Sequencing Project (ESP), and 1000 Genomes Project. In the ESP, this variant was not observed in 6499 samples (12998 alleles) with coverage at this position. To date, this alteration has been detected with an allele frequency of approximately 0.001% (greater than 125000 alleles tested) in our clinical cohort. Based on protein sequence alignment, this amino acid position is poorly conserved in available vertebrate species. In addition, this alteration is predicted to be tolerated by in silico analysis. Since supporting evidence is limited at this time, the clinical significance of p.T710K remains unclear.

Literature cited by the submitters: PubMed 30287823 (cited by Labcorp Genetics (formerly Invitae), Labcorp).